The following is an entry in ClinVar:

ClinVar aggregate classification (germline): Uncertain significance (1 of 4 stars; one submission).

Submission:

Labcorp Genetics (formerly Invitae), Labcorp
Classification: Uncertain significance. Last evaluated: 2022-09-06. Review status: criteria provided, single submitter. Criteria: Invitae Variant Classification Sherloc (09022015). Collection method: clinical testing. Allele origin: germline.
Comment: This sequence change replaces glutamine, which is neutral and polar, with arginine, which is basic and polar, at codon 913 of the AMER1 protein (p.Gln913Arg). In summary, the available evidence is currently insufficient to determine the role of this variant in disease. Therefore, it has been classified as a Variant of Uncertain Significance. Algorithms developed to predict the effect of missense changes on protein structure and function (SIFT, PolyPhen-2, Align-GVGD) all suggest that this variant is likely to be tolerated. This variant has not been reported in the literature in individuals affected with AMER1-related conditions. This variant is not present in population databases (gnomAD no frequency).

NM_152424.4(AMER1):c.2738A>G (p.Gln913Arg)

Gene: AMER1 (APC membrane recruitment protein 1; minus strand). Cytogenetic location: Xq11.2.
Variant type: single nucleotide variant.
Coding change: c.2738A>G on transcript NM_152424.4 (MANE Select); coding-DNA position 2738, A replaced by G.
Protein change: p.Gln913Arg; replaces glutamine 913 with arginine.
Molecular consequence: missense variant.
Genome position (GRCh38, 1-based): chrX:64,190,549, T>C on the plus strand (A>G on the coding strand, the complement: AMER1 is on the minus strand). VCF-style: chrX-64190549-T-C. GRCh37 (hg19) VCF-style: chrX-63410429-T-C.
Other names: short protein forms Q913R.
Identifiers: ClinVar variation 1718674 (VCV001718674.5), dbSNP rs2147085417, ClinGen allele CA413302299.
Genomic context (GRCh38, chrX:64,190,549, plus strand): 5'-TCGTCCTCCTCATCTGAATCTTCCTGCTGGGCCTGCAGCTCATCAGACTCGAGGTAGCCC[T>C]GGACCAAGTGGGAATTGGAGAGCTCCATCTCCAGGGTCTCTGCAGTGTCGAGAGAGCGGC-3'
Protein context (NP_689637.3, residues 903-923): EMELSNSHLV[Gln913Arg]GYLESDELQA